The following is an entry in ClinVar:

ClinVar aggregate classification (germline): Uncertain significance. Review status: criteria provided, multiple submitters, no conflicts (2 of 4 stars). 2 submissions from 2 submitters: Uncertain significance (2). Last evaluated 2025-05-17.

Conditions:
Inborn genetic diseases. Identifiers: MedGen C0950123, MeSH D030342.
Dyskeratosis congenita, autosomal recessive 5 (DKCB5). Identifiers: MedGen C3554656, MONDO:0014076, OMIM 615190.
Pulmonary fibrosis and/or bone marrow failure, Telomere-related, 3. Also called: PULMONARY FIBROSIS AND/OR BONE MARROW FAILURE SYNDROME, TELOMERE-RELATED, 3. Identifiers: Orphanet 2032, MedGen C4225346, MONDO:0014613, OMIM 616373.

Allele frequency attached by ClinVar (database versions not stated): gnomAD exomes below 0.00001.
gnomAD v4.1: 3 of 1,574,640 alleles (0.00019%); highest among the groups gnomAD compares: Non-Finnish European, 0.00017%; no homozygotes.

Submissions (2):

Ambry Genetics
Classification: Uncertain significance for Inborn genetic diseases. Last evaluated: 2025-05-17. Review status: criteria provided, single submitter. Criteria: Ambry Variant Classification Scheme 2023. Collection method: clinical testing. Allele origin: germline.
Comment: The p.S1203I variant (also known as c.3608G>T), located in coding exon 33 of the RTEL1 gene, results from a G to T substitution at nucleotide position 3608. The serine at codon 1203 is replaced by isoleucine, an amino acid with dissimilar properties. This amino acid position is conserved. In addition, this alteration is predicted to be tolerated by in silico analysis. Based on the available evidence, the clinical significance of this variant remains unclear.

Labcorp Genetics (formerly Invitae), Labcorp
Classification: Uncertain significance for Dyskeratosis congenita, autosomal recessive 5; Pulmonary fibrosis and/or bone marrow failure, Telomere-related, 3. Last evaluated: 2022-07-12. Review status: criteria provided, single submitter. Criteria: Invitae Variant Classification Sherloc (09022015). Collection method: clinical testing. Allele origin: germline.
Comment: This sequence change replaces serine, which is neutral and polar, with isoleucine, which is neutral and non-polar, at codon 1203 of the RTEL1 protein (p.Ser1203Ile). This variant is not present in population databases (gnomAD no frequency). This variant has not been reported in the literature in individuals affected with RTEL1-related conditions. ClinVar contains an entry for this variant (Variation ID: 1397879). Algorithms developed to predict the effect of missense changes on protein structure and function (SIFT, PolyPhen-2, Align-GVGD) all suggest that this variant is likely to be tolerated. In summary, the available evidence is currently insufficient to determine the role of this variant in disease. Therefore, it has been classified as a Variant of Uncertain Significance.

NM_001283009.2(RTEL1):c.3608G>T (p.Ser1203Ile)

Genes: RTEL1 (regulator of telomere elongation helicase 1; plus strand), RTEL1-TNFRSF6B (RTEL1-TNFRSF6B readthrough (NMD candidate); plus strand). Cytogenetic location: 20q13.33.
Variant type: single nucleotide variant.
Coding change: c.3608G>T on transcript NM_001283009.2 (MANE Select); coding-DNA position 3608, G replaced by T.
Protein change: p.Ser1203Ile; replaces serine 1203 with isoleucine.
Molecular consequence: missense variant. On other transcripts: non-coding transcript variant (1).
Genome position (GRCh38, 1-based): chr20:63,695,436, G>T. VCF-style: chr20-63695436-G-T. GRCh37 (hg19) VCF-style: chr20-62326789-G-T.
Other names: c.2939G>T, p.Ser980Ile (NM_001283010.1); c.3608G>T, p.Ser1203Ile (NM_016434.4); c.3680G>T, p.Ser1227Ile (NM_032957.5); short protein forms S1203I, S1227I, S980I.
Identifiers: ClinVar variation 1397879 (VCV001397879.4), dbSNP rs2145479866, ClinGen allele CA409686349.